The following is an entry in ClinVar:

ClinVar aggregate classification (germline): Pathogenic. Review status: criteria provided, multiple submitters, no conflicts (2 of 4 stars). 2 submissions from 2 submitters: Pathogenic (2). Last evaluated 2023-11-21.

Conditions:
Primary ciliary dyskinesia 3. Identifiers: Orphanet 244, MedGen C1837618, MONDO:0012085, OMIM 608644.
Primary ciliary dyskinesia. Also called: Ciliary dyskinesia. Identifiers: Orphanet 244, MedGen C0008780, MONDO:0016575, HP:0012265.

Submissions (2):

Myriad Genetics, Inc.
Classification: Pathogenic for Primary ciliary dyskinesia 3. Last evaluated: 2023-11-21. Review status: criteria provided, single submitter. Criteria: Myriad Autosomal Dominant, Autosomal Recessive and X-Linked Classification Criteria (2023). Collection method: clinical testing. Allele origin: unknown.
Comment: NM_001369.2(DNAH5):c.922delG(D308Mfs*2) is expected to be pathogenic in the context of primary ciliary dyskinesia, DNAH5-related. This variant is predicted to lead to an abnormal or absent protein product due to the creation of a premature termination codon in DNAH5, a gene where loss-of-function variants are known to be pathogenic. Please note: this variant was assessed in the context of healthy population screening.

Labcorp Genetics (formerly Invitae), Labcorp
Classification: Pathogenic for Primary ciliary dyskinesia. Last evaluated: 2023-11-07. Review status: criteria provided, single submitter. Criteria: Invitae Variant Classification Sherloc (09022015). Collection method: clinical testing. Allele origin: germline.
Comment: This sequence change creates a premature translational stop signal (p.Asp308Metfs*2) in the DNAH5 gene. It is expected to result in an absent or disrupted protein product. Loss-of-function variants in DNAH5 are known to be pathogenic (PMID: 11788826, 16627867). This variant is not present in population databases (gnomAD no frequency). This variant has not been reported in the literature in individuals affected with DNAH5-related conditions. Algorithms developed to predict the effect of sequence changes on RNA splicing suggest that this variant may disrupt the consensus splice site. For these reasons, this variant has been classified as Pathogenic.

Literature cited by the submitters: PubMed 11788826 (cited by Labcorp Genetics (formerly Invitae), Labcorp); PubMed 16627867 (cited by Labcorp Genetics (formerly Invitae), Labcorp).

NM_001369.3(DNAH5):c.922del (p.Asp308fs)

Gene: DNAH5 (dynein axonemal heavy chain 5; minus strand). Cytogenetic location: 5p15.2.
Variant type: Deletion.
Coding change: c.922del on transcript NM_001369.3 (MANE Select); coding-DNA position 922, one base deleted (G; older notation c.922delG).
Protein change: p.Asp308fs; shifts the reading frame from aspartic acid 308.
Molecular consequence: frameshift variant.
Genome position (GRCh38, 1-based): chr5:13,919,229, C deleted on the plus strand (G on the coding strand, the reverse complement: DNAH5 is on the minus strand); the first of 2 consecutive C bases (chr5:13,919,229-13,919,230); deleting either gives the same sequence. VCF-style (leftmost placement, unchanged base first): chr5-13919228-TC-T. GRCh37 (hg19) VCF-style: chr5-13919337-TC-T.
Other names: short protein forms D308fs.
Identifiers: ClinVar variation 2694040 (VCV002694040.4), dbSNP rs2547144206, ClinGen allele CA2697547098.
Genomic context (GRCh38, chr5:13,919,228, plus strand): 5'-CTGACGACCTTCAGCAGTTTCGACTTGGCCGCCGCAAGCACTGCCAGCACAGCCTTCACA[TC>T]CGGGCTTTTCAATTGTTCCAAAAGGTAGTTAAACTTGGAGAGTCTTTTTTTCCAGTGCTC-3'